The following is an entry in ClinVar:

NM_006180.6(NTRK2):c.2369G>C (p.Arg790Pro)

Gene: NTRK2 (neurotrophic receptor tyrosine kinase 2; plus strand). Cytogenetic location: 9q21.33.
Variant type: single nucleotide variant.
Coding change: c.2369G>C on transcript NM_006180.6 (MANE Select); coding-DNA position 2369, G replaced by C.
Protein change: p.Arg790Pro; replaces arginine 790 with proline.
Molecular consequence: missense variant.
Genome position (GRCh38, 1-based): chr9:85,021,289, G>C. VCF-style: chr9-85021289-G-C. GRCh37 (hg19) VCF-style: chr9-87636204-G-C.
Other names: c.2321G>C, p.Arg774Pro (NM_001018064.3, NM_001369532.1, NM_001369533.1); c.2285G>C, p.Arg762Pro (NM_001369534.1); c.1853G>C, p.Arg618Pro (NM_001369535.1); c.1901G>C, p.Arg634Pro (NM_001369536.1); short protein forms R774P, R790P, R618P, R634P, R762P.
Identifiers: ClinVar variation 3665309 (VCV003665309.2).

ClinVar aggregate classification (germline): Uncertain significance (1 of 4 stars; one submission).

Submission:

Labcorp Genetics (formerly Invitae), Labcorp
Classification: Uncertain significance. Last evaluated: 2024-09-12. Review status: criteria provided, single submitter. Criteria: Invitae Variant Classification Sherloc (09022015). Collection method: clinical testing. Allele origin: germline.
Comment: This sequence change replaces arginine, which is basic and polar, with proline, which is neutral and non-polar, at codon 790 of the NTRK2 protein (p.Arg790Pro). This variant is not present in population databases (gnomAD no frequency). This variant has not been reported in the literature in individuals affected with NTRK2-related conditions. Invitae Evidence Modeling of protein sequence and biophysical properties (such as structural, functional, and spatial information, amino acid conservation, physicochemical variation, residue mobility, and thermodynamic stability) indicates that this missense variant is not expected to disrupt NTRK2 protein function with a negative predictive value of 80%. In summary, the available evidence is currently insufficient to determine the role of this variant in disease. Therefore, it has been classified as a Variant of Uncertain Significance.